The following is an entry in ClinVar:

ClinVar aggregate classification (germline): Pathogenic. Review status: criteria provided, multiple submitters, no conflicts (2 of 4 stars). 2 submissions from 2 submitters: Pathogenic (2). Last evaluated 2025-07-29.

Conditions:
Long QT syndrome (LQTS). Identifiers: MedGen C0023976, MeSH D008133, MONDO:0002442. Disease mechanism: loss of function. Inheritance: Various modes of inheritance.

Submissions (2):

Labcorp Genetics (formerly Invitae), Labcorp
Classification: Pathogenic for Long QT syndrome. Last evaluated: 2025-07-29. Review status: criteria provided, single submitter. Criteria: Invitae Variant Classification Sherloc (09022015). Collection method: clinical testing. Allele origin: germline.
Comment: This sequence change creates a premature translational stop signal (p.Ala715Glyfs*7) in the KCNH2 gene. It is expected to result in an absent or disrupted protein product. Loss-of-function variants in KCNH2 are known to be pathogenic (PMID: 10973849, 19862833). This variant is not present in population databases (gnomAD no frequency). This variant has not been reported in the literature in individuals affected with KCNH2-related conditions. ClinVar contains an entry for this variant (Variation ID: 3074111). Algorithms developed to predict the effect of sequence changes on RNA splicing suggest that this variant may disrupt the consensus splice site. For these reasons, this variant has been classified as Pathogenic.

All of Us Research Program, National Institutes of Health
Classification: Pathogenic for Long QT syndrome. Last evaluated: 2023-10-23. Review status: criteria provided, single submitter. Criteria: ACMG Guidelines, 2015. Collection method: clinical testing. Allele origin: germline. Inheritance: Autosomal dominant inheritance. Observed: 1 variant allele, 1 heterozygote.
Comment: This variant deletes the last two CG nucleotides of exon 8 of the KCNH2 gene. This variant is expected to create a frameshift and premature translation stop signal, resulting in an absent or non-functional protein product. To our knowledge, this variant has not been reported in individuals affected with KCNH2-related disorders in the literature. This variant has not been identified in the general population by the Genome Aggregation Database (gnomAD). Loss of KCNH2 function is a known mechanism of disease. Based on the available evidence, this variant is classified as Pathogenic.

This study involves interpretation of variants in research participants for the purpose of population health screening. Participant phenotype was not available at the time of variant classification. Additional details can be found in publication PMID: 35346344, PMCID: PMC8962531

Literature cited by the submitters: PubMed 10973849 (cited by Labcorp Genetics (formerly Invitae), Labcorp); PubMed 19862833 (cited by Labcorp Genetics (formerly Invitae), Labcorp).

NM_000238.4(KCNH2):c.2144_2145del (p.Ala715fs)

Gene: KCNH2 (potassium voltage-gated channel subfamily H member 2; minus strand). Cytogenetic location: 7q36.1.
Variant type: Microsatellite.
Coding change: c.2144_2145del on transcript NM_000238.4 (MANE Select); coding-DNA positions 2144 to 2145, 2 bases deleted (CG; older notation c.2144_2145delCG).
Protein change: p.Ala715fs; shifts the reading frame from alanine 715.
Molecular consequence: frameshift variant. On other transcripts: non-coding transcript variant (2).
Genome position (GRCh38, 1-based): chr7:150,950,921-150,950,922, CG deleted on the plus strand (CG on the coding strand, the reverse complement: KCNH2 is on the minus strand); deleting any 2 consecutive bases within chr7:150,950,921-150,950,924 gives the same sequence; the c. name uses the placement nearest the transcript's 3' end. VCF-style (leftmost placement, unchanged base first): chr7-150950920-CCG-C. GRCh37 (hg19) VCF-style: chr7-150648008-CCG-C.
Other names: c.1124_1125del, p.Ala375fs (NM_001204798.2, NM_172057.3); c.1856_1857del, p.Ala619fs (NM_001406753.1, NM_001406756.1); c.1967_1968del, p.Ala656fs (NM_001406755.1); c.1844_1845del, p.Ala615fs (NM_001406757.1); c.2144_2145del, p.Ala715fs (NM_172056.3); short protein forms A375fs, A615fs, A619fs, A656fs, A715fs.
Identifiers: ClinVar variation 3074111 (VCV003074111.2), dbSNP rs2486030134, ClinGen allele CA2825001556.